The following is an entry in ClinVar:

ClinVar aggregate classification (germline): Benign/Likely benign. Review status: criteria provided, multiple submitters, no conflicts (2 of 4 stars). 14 submissions from 14 submitters: Benign (10); Likely benign (1). 3 of the submissions do not count toward it. Last evaluated 2026-02-01.

Conditions:
Myofibromatosis, infantile, 2. Identifiers: Orphanet 2591, MedGen C3809084, MONDO:0014122, OMIM 615293.
Lateral meningocele syndrome (LMNS). Also called: NOTCH3-Related Lateral Meningocele Syndrome. Identifiers: Orphanet 2789, MedGen C1851710, MONDO:0007537, OMIM 130720.
Cerebral arteriopathy, autosomal dominant, with subcortical infarcts and leukoencephalopathy, type 1 (CADASIL1). Also called: CADASIL 1; CASIL; Cerebral arteriopathy with subcortical infarcts and leukoencephalopathy 1; DEMENTIA, HEREDITARY MULTIINFARCT TYPE. Identifiers: Orphanet 136, MedGen C4551768, MONDO:0000914, OMIM 125310.

Allele frequency attached by ClinVar (database versions not stated): gnomAD 0.09838 and 0.10508; TOPMed 0.10965; 1000 Genomes Project 0.11022; 1000 Genomes Project 30x 0.11711.
gnomAD v4.1: 44,123 of 1,602,146 alleles (2.8%); highest among the groups gnomAD compares: African/African-American, 31%; 3,918 homozygotes.

Submissions (14):

Labcorp Genetics (formerly Invitae), Labcorp
Classification: Benign. Last evaluated: 2026-02-01. Review status: criteria provided, single submitter. Criteria: Invitae Variant Classification Sherloc (09022015). Collection method: clinical testing. Allele origin: germline.

Athena Diagnostics
Classification: Benign. Last evaluated: 2025-08-05. Review status: criteria provided, single submitter. Criteria: Athena Diagnostics Criteria. Collection method: clinical testing. Allele origin: unknown.
Comment: The frequency of this variant in the general population is higher than would generally be expected for pathogenic variants in this gene.

ARUP Laboratories, Molecular Genetics and Genomics, ARUP Laboratories
Classification: Benign. Last evaluated: 2025-07-29. Review status: criteria provided, single submitter. Criteria: ARUP Molecular Germline Variant Investigation Process 2024. Collection method: clinical testing. Allele origin: germline.

Blueprint Genetics
Classification: Likely benign. Last evaluated: 2024-11-27. Review status: criteria provided, single submitter. Criteria: ACMG Guidelines, 2015. Collection method: clinical testing. Allele origin: germline.

Department of Pathology and Laboratory Medicine, Sinai Health System
Classification: Benign for Cerebral arteriopathy, autosomal dominant, with subcortical infarcts and leukoencephalopathy, type 1; Lateral meningocele syndrome; Myofibromatosis, infantile, 2. Last evaluated: 2023-04-03. Review status: criteria provided, single submitter. Criteria: ACMG Guidelines, 2015. Collection method: research. Allele origin: germline.

Mayo Clinic Laboratories, Mayo Clinic
Classification: Benign. Last evaluated: 2023-03-02. Review status: criteria provided, single submitter. Criteria: ACMG Guidelines, 2015. Collection method: clinical testing. Allele origin: germline. Observed: 298 variant alleles.
Comment: BA1

Fulgent Genetics
Classification: Benign for Cerebral arteriopathy, autosomal dominant, with subcortical infarcts and leukoencephalopathy, type 1; Lateral meningocele syndrome; Myofibromatosis, infantile, 2. Last evaluated: 2021-10-04. Review status: criteria provided, single submitter. Criteria: ACMG Guidelines, 2015. Collection method: clinical testing. Allele origin: unknown.

GeneDx
Classification: Benign. Last evaluated: 2021-05-04. Review status: criteria provided, single submitter. Criteria: GeneDx Variant Classification Process June 2021. Collection method: clinical testing. Allele origin: germline. Affected: yes.
Comment: This variant is associated with the following publications: (PMID: 27884173, 18765654, 19528524, 21345538, 20981092)

Illumina Laboratory Services, Illumina
Classification: Benign for Cerebral arteriopathy, autosomal dominant, with subcortical infarcts and leukoencephalopathy, type 1. Last evaluated: 2018-01-13. Review status: criteria provided, single submitter. Criteria: ICSL Variant Classification Criteria 13 December 2019. Collection method: clinical testing. Allele origin: germline.
Comment: This variant was observed in the ICSL laboratory as part of a predisposition screen in an ostensibly healthy population. It had not been previously curated by ICSL or reported in the Human Gene Mutation Database (HGMD: prior to June 1st, 2018), and was therefore a candidate for classification through an automated scoring system. Utilizing variant allele frequency, disease prevalence and penetrance estimates, and inheritance mode, an automated score was calculated to assess if this variant is too frequent to cause the disease. Based on the score and internal cut-off values, a variant classified as benign is not then subjected to further curation. The score for this variant resulted in a classification of benign for this disease.

Breakthrough Genomics
Classification: Benign. Review status: criteria provided, single submitter. Criteria: ACMG Guidelines, 2015. Collection method: not provided. Allele origin: germline. Inheritance: Autosomal dominant inheritance. Affected: yes.

PreventionGenetics, part of Exact Sciences
Classification: Benign. Review status: criteria provided, single submitter. Criteria: ACMG Guidelines, 2015. Collection method: clinical testing. Allele origin: germline.

OMIM
Classification: Pathogenic for CEREBRAL ARTERIOPATHY, AUTOSOMAL DOMINANT, WITH SUBCORTICAL INFARCTS AND LEUKOENCEPHALOPATHY, TYPE 1. Last evaluated: 2009-06-16. Review status: no assertion criteria provided. Collection method: literature only. Allele origin: germline. Not counted in ClinVar's aggregate classification.

Genome Diagnostics Laboratory, Amsterdam University Medical Center
Classification: Benign. Review status: no assertion criteria provided. Collection method: clinical testing. Allele origin: germline. Affected: yes. Study: VKGL Data-share Consensus. Not counted in ClinVar's aggregate classification.

Laboratory of Diagnostic Genome Analysis, Leiden University Medical Center (LUMC)
Classification: Likely benign. Review status: no assertion criteria provided. Collection method: clinical testing. Allele origin: germline. Affected: yes. Study: VKGL Data-share Consensus. Not counted in ClinVar's aggregate classification.

Literature cited by the submitters: PubMed 18765654 (cited by Athena Diagnostics and OMIM); PubMed 20981092 (cited by Athena Diagnostics); PubMed 27884173 (cited by Athena Diagnostics); PubMed 19528524 (cited by Athena Diagnostics and OMIM).

NM_000435.3(NOTCH3):c.3058G>C (p.Ala1020Pro)

Gene: NOTCH3 (notch receptor 3; minus strand). Cytogenetic location: 19p13.12.
Variant type: single nucleotide variant.
Coding change: c.3058G>C on transcript NM_000435.3 (MANE Select); coding-DNA position 3058, G replaced by C.
Protein change: p.Ala1020Pro; replaces alanine 1020 with proline.
Molecular consequence: missense variant.
Genome position (GRCh38, 1-based): chr19:15,180,765, C>G on the plus strand (G>C on the coding strand, the complement: NOTCH3 is on the minus strand). VCF-style: chr19-15180765-C-G. GRCh37 (hg19) VCF-style: chr19-15291576-C-G.
Other names: short protein forms A1020P.
Identifiers: ClinVar variation 9227 (VCV000009227.38), dbSNP rs35769976, ClinGen allele CA340893.